The following is an entry in ClinVar:

ClinVar aggregate classification (germline): Likely benign. Review status: criteria provided, single submitter (1 of 4 stars). 2 submissions from 1 submitter: Likely benign (2). Last evaluated 2018-01-13.

Conditions:
Short-rib thoracic dysplasia 7 with or without polydactyly (SRTD7). Also called: Short rib polydactyly syndrome 5; SHORT-RIB THORACIC DYSPLASIA 7 WITH POLYDACTYLY. Identifiers: Orphanet 498497, Orphanet 93271, MedGen C3279792, MONDO:0013569, OMIM 614091.
Cranioectodermal dysplasia 2 (CED2). Identifiers: Orphanet 1515, MedGen C3150874, MONDO:0013323, OMIM 613610.

Allele frequency attached by ClinVar (database versions not stated): TOPMed 0.00135; 1000 Genomes Project 30x 0.00265; 1000 Genomes Project 0.00300.

Submissions (2):

Illumina Laboratory Services, Illumina
Classification: Likely benign for Cranioectodermal dysplasia 2. Last evaluated: 2018-01-13. Review status: criteria provided, single submitter. Criteria: ICSL Variant Classification Criteria 13 December 2019. Collection method: clinical testing. Allele origin: germline.
Comment: This variant was observed in the ICSL laboratory as part of a predisposition screen in an ostensibly healthy population. It had not been previously curated by ICSL or reported in the Human Gene Mutation Database (HGMD: prior to June 1st, 2018), and was therefore a candidate for classification through an automated scoring system. Utilizing variant allele frequency, disease prevalence and penetrance estimates, and inheritance mode, an automated score was calculated to assess if this variant is too frequent to cause the disease. Based on the score and internal cut-off values, a variant classified as likely benign is not then subjected to further curation. The score for this variant resulted in a classification of likely benign for this disease.

Illumina Laboratory Services, Illumina
Classification: Likely benign for Short-rib thoracic dysplasia 7 with or without polydactyly. Last evaluated: 2018-01-13. Review status: criteria provided, single submitter. Criteria: ICSL Variant Classification Criteria 13 December 2019. Collection method: clinical testing. Allele origin: germline.
Comment: the same text as in the submission from Illumina Laboratory Services, Illumina above.

NM_020779.4(WDR35):c.*573A>T

Gene: WDR35 (WD repeat domain 35; minus strand). Cytogenetic location: 2p24.1.
Variant type: single nucleotide variant.
Coding change: c.*573A>T on transcript NM_020779.4 (MANE Select); 573 bases downstream of the stop codon, A replaced by T.
Molecular consequence: 3 prime UTR variant.
Genome position (GRCh38, 1-based): chr2:19,912,985, T>A on the plus strand (A>T on the coding strand, the complement: WDR35 is on the minus strand). VCF-style: chr2-19912985-T-A. GRCh37 (hg19) VCF-style: chr2-20112746-T-A.
Other names: c.*573A>T (NM_001006657.2).
Identifiers: ClinVar variation 333361 (VCV000333361.5), dbSNP rs140069324, ClinGen allele CA10612297.